The following is an entry in ClinVar:

NM_000252.3(MTM1):c.1353+4A>C

Gene: MTM1 (myotubularin 1; plus strand). Cytogenetic location: Xq28.
Variant type: single nucleotide variant.
Coding change: c.1353+4A>C on transcript NM_000252.3 (MANE Select); 4 bases into the intron after coding-DNA position 1353, A replaced by C.
Molecular consequence: intron variant.
Genome position (GRCh38, 1-based): chrX:150,659,760, A>C. VCF-style: chrX-150659760-A-C. GRCh37 (hg19) VCF-style: chrX-149828233-A-C.
Other names: c.1353+4A>C (NM_001376908.1, NM_001376906.1); c.1242+4A>C (NM_001376907.1).
Identifiers: ClinVar variation 2888580 (VCV002888580.3), dbSNP rs2040188538, ClinGen allele CA2465386392.

ClinVar aggregate classification (germline): Uncertain significance (1 of 4 stars; one submission).

Conditions:
Severe X-linked myotubular myopathy (CNMX). Also called: X-linked centronuclear myopathy; MYOTUBULAR MYOPATHY 1; Myotubular myopathy, X-linked. Identifiers: Orphanet 596, MedGen C0410203, MONDO:0010683, OMIM 310400.

Allele frequency attached by ClinVar (database versions not stated): TOPMed 0.00001.

Submission:

Labcorp Genetics (formerly Invitae), Labcorp
Classification: Uncertain significance for Severe X-linked myotubular myopathy. Last evaluated: 2024-01-08. Review status: criteria provided, single submitter. Criteria: Invitae Variant Classification Sherloc (09022015). Collection method: clinical testing. Allele origin: germline.
Comment: This sequence change falls in intron 12 of the MTM1 gene. It does not directly change the encoded amino acid sequence of the MTM1 protein. It affects a nucleotide within the consensus splice site. This variant is not present in population databases (gnomAD no frequency). This variant has not been reported in the literature in individuals affected with MTM1-related conditions. Variants that disrupt the consensus splice site are a relatively common cause of aberrant splicing (PMID: 17576681, 9536098). Algorithms developed to predict the effect of sequence changes on RNA splicing suggest that this variant may disrupt the consensus splice site. In summary, the available evidence is currently insufficient to determine the role of this variant in disease. Therefore, it has been classified as a Variant of Uncertain Significance.

Literature cited by the submitters: PubMed 17576681; PubMed 9536098.